The following is an entry in ClinVar:

NM_001099922.3(ALG13):c.2702C>G (p.Ala901Gly)

Gene: ALG13 (ALG13 UDP-N-acetylglucosaminyltransferase subunit; plus strand). Cytogenetic location: Xq23.
Variant type: single nucleotide variant.
Coding change: c.2702C>G on transcript NM_001099922.3 (MANE Select); coding-DNA position 2702, C replaced by G.
Protein change: p.Ala901Gly; replaces alanine 901 with glycine.
Molecular consequence: missense variant. On other transcripts: intron variant (5).
Genome position (GRCh38, 1-based): chrX:111,744,674, C>G. VCF-style: chrX-111744674-C-G. GRCh37 (hg19) VCF-style: chrX-110987902-C-G.
Other names: c.2468C>G, p.Ala823Gly (NM_001257231.2); c.2383+7795C>G (NM_001257237.2, NM_001257234.2, NM_001257230.2); c.2209+7795C>G (NM_001324293.1); c.2695+7795C>G (NM_001324292.2); short protein forms A823G, A901G.
Identifiers: ClinVar variation 3343472 (VCV003343472.1).

ClinVar aggregate classification (germline): Uncertain significance (1 of 4 stars; one submission).

gnomAD v4.1: 3 of 1,182,108 alleles (0.00025%); highest among the groups gnomAD compares: Non-Finnish European, 0.00034%; no homozygotes.

Submission:

GeneDx
Classification: Uncertain significance. Last evaluated: 2023-05-10. Review status: criteria provided, single submitter. Criteria: GeneDx Variant Classification Process June 2021. Collection method: clinical testing. Allele origin: germline. Affected: yes.
Comment: Not observed at significant frequency in large population cohorts (gnomAD); In silico analysis supports that this missense variant does not alter protein structure/function; Has not been previously published as pathogenic or benign to our knowledge